The following is an entry in ClinVar:

ClinVar aggregate classification (germline): Pathogenic. Review status: criteria provided, multiple submitters, no conflicts (2 of 4 stars). 6 submissions from 6 submitters: Pathogenic (5). 1 of the submissions does not count toward it. Last evaluated 2025-01-19.

Conditions:
Chondrosarcoma. Also called: Chondrosarcoma, somatic. Identifiers: Orphanet 55880, MedGen C0008479, MONDO:0008977, OMIM 215300, HP:0006765.
Exostoses, multiple, type 1 (EXT1). Also called: EXOSTOSES, MULTIPLE, TYPE I; Hereditary Multiple Osteochondromatosis, Type I. Identifiers: MedGen CN263289, MONDO:0007585, OMIM 133700.
EXT1-related disorders.
Multiple congenital exostosis (EXT). Also called: Multiple osteochondromas; Hereditary multiple osteochondromas; MULTIPLE CARTILAGINOUS EXOSTOSES; Hereditary multiple exostoses; Hereditary multiple exostosis; Multiple exostoses. Identifiers: Orphanet 321, MedGen C0015306, MONDO:0005508, HP:0002762.

Submissions (6):

Labcorp Genetics (formerly Invitae), Labcorp
Classification: Pathogenic for Multiple congenital exostosis. Last evaluated: 2025-01-19. Review status: criteria provided, single submitter. Criteria: Invitae Variant Classification Sherloc (09022015). Collection method: clinical testing. Allele origin: germline.
Comment: This sequence change replaces arginine, which is basic and polar, with leucine, which is neutral and non-polar, at codon 340 of the EXT1 protein (p.Arg340Leu). This variant is not present in population databases (gnomAD no frequency). This missense change has been observed in individuals with hereditary multiple osteochondromatosis (PMID: 8981950, 18165274, 18330718, 19810120, 26961984). It has also been observed to segregate with disease in related individuals. Invitae Evidence Modeling of clinical and family history, age, sex, and reported ancestry of multiple individuals with this EXT1 variant has been performed. This variant is expected to be pathogenic with a positive predictive value of at least 99%. This is a validated machine learning model that incorporates the clinical features of 50,122 individuals referred to our laboratory for EXT1 testing. This variant is also known as Arg339Leu. ClinVar contains an entry for this variant (Variation ID: 2495). Invitae Evidence Modeling of protein sequence and biophysical properties (such as structural, functional, and spatial information, amino acid conservation, physicochemical variation, residue mobility, and thermodynamic stability) indicates that this missense variant is expected to disrupt EXT1 protein function with a positive predictive value of 80%. Experimental studies have shown that this missense change affects EXT1 function (PMID: 11391482). For these reasons, this variant has been classified as Pathogenic.

Dasa
Classification: Pathogenic. Last evaluated: 2024-12-30. Review status: criteria provided, single submitter. Criteria: DASA Assertion Criteria. Collection method: clinical testing. Allele origin: germline.
Comment: NM_000127.3(EXT1):c.1019G>T (p.Arg340Leu) is a missense variant that results in the substitution of arginine with leucine. The affected residue or protein region has prior evidence supporting clinical relevance. Segregation evidence has been reported in affected families. This variant has been recurrently observed in individuals with related phenotype (PMID: 8981950; PMID: 26961984; PMID: 19810120). Multiple computational predictions support a deleterious effect on the gene or gene product. The variant is present at low frequency in population datasets. Based on the available data, this variant is classified as pathogenic.

Fulgent Genetics
Classification: Pathogenic for Exostoses, multiple, type 1; Chondrosarcoma. Last evaluated: 2024-04-25. Review status: criteria provided, single submitter. Criteria: ACMG Guidelines, 2015. Collection method: clinical testing. Allele origin: germline.

Blueprint Genetics
Classification: Pathogenic for EXT1-related disorders. Last evaluated: 2022-11-18. Review status: criteria provided, single submitter. Criteria: ACMG Guidelines, 2015. Collection method: clinical testing. Allele origin: germline. Affected: yes. Observed: 2 variant alleles.

Kasturba Medical College, Manipal, Kasturba Medical College, Manipal, Manipal Academy of Higher Education, Manipal, India
Classification: Pathogenic for Exostoses, multiple, type 1. Review status: criteria provided, single submitter. Criteria: ACMG Guidelines, 2015. Collection method: clinical testing. Allele origin: de novo. Affected: yes.

OMIM
Classification: Pathogenic for EXOSTOSES, MULTIPLE, TYPE I. Last evaluated: 1997-01-01. Review status: no assertion criteria provided. Collection method: literature only. Allele origin: germline. Not counted in ClinVar's aggregate classification.

Literature cited by the submitters: PubMed 8981950 (cited by 3 submitters); PubMed 18165274 (cited by Labcorp Genetics (formerly Invitae), Labcorp); PubMed 18330718 (cited by Labcorp Genetics (formerly Invitae), Labcorp); PubMed 19810120 (cited by Labcorp Genetics (formerly Invitae), Labcorp and Dasa); PubMed 26961984 (cited by Labcorp Genetics (formerly Invitae), Labcorp and Dasa); PubMed 11391482 (cited by Labcorp Genetics (formerly Invitae), Labcorp); Hogue, D Personal Communication. 1998. Houston, Tex (cited by OMIM).

NM_000127.3(EXT1):c.1019G>T (p.Arg340Leu)

Gene: EXT1 (exostosin glycosyltransferase 1; minus strand). Cytogenetic location: 8q24.11.
Variant type: single nucleotide variant.
Coding change: c.1019G>T on transcript NM_000127.3 (MANE Select); coding-DNA position 1019, G replaced by T.
Protein change: p.Arg340Leu; replaces arginine 340 with leucine.
Molecular consequence: missense variant.
Genome position (GRCh38, 1-based): chr8:117,837,145, C>A on the plus strand (G>T on the coding strand, the complement: EXT1 is on the minus strand). VCF-style: chr8-117837145-C-A. GRCh37 (hg19) VCF-style: chr8-118849384-C-A.
Other names: short protein forms R340L.
Identifiers: ClinVar variation 2495 (VCV000002495.18), dbSNP rs119103287, ClinGen allele CA252308.